The following is an entry in ClinVar:

NM_018979.4(WNK1):c.5135C>T (p.Pro1712Leu)

Gene: WNK1 (WNK lysine deficient protein kinase 1; plus strand). Cytogenetic location: 12p13.33.
Variant type: single nucleotide variant.
Coding change: c.5135C>T on transcript NM_018979.4 (MANE Select); coding-DNA position 5135, C replaced by T.
Protein change: p.Pro1712Leu; replaces proline 1712 with leucine.
Molecular consequence: missense variant.
Genome position (GRCh38, 1-based): chr12:885,939, C>T. VCF-style: chr12-885939-C-T. GRCh37 (hg19) VCF-style: chr12-995105-C-T.
Other names: c.5915C>T, p.Pro1972Leu (NM_001184985.2); c.4394C>T, p.Pro1465Leu (NM_014823.3); c.5891C>T, p.Pro1964Leu (NM_213655.5); short protein forms P1964L, P1712L, P1972L, P1465L.
Identifiers: ClinVar variation 2150947 (VCV002150947.4), dbSNP rs1004842904, ClinGen allele CA231479552.

ClinVar aggregate classification (germline): Uncertain significance (1 of 4 stars; one submission).

Conditions:
Neuropathy, hereditary sensory and autonomic, type 2A (HSAN2A). Also called: ACROOSTEOLYSIS, GIACCAI TYPE; ACROOSTEOLYSIS, NEUROGENIC; MORVAN DISEASE; NEUROPATHY, CONGENITAL SENSORY; NEUROPATHY, HEREDITARY SENSORY RADICULAR, AUTOSOMAL RECESSIVE; NEUROPATHY, HEREDITARY SENSORY, TYPE IIA. Identifiers: Orphanet 970, MedGen C2752089, MONDO:0024309, OMIM 201300.
Pseudohypoaldosteronism type 2C (PHA2C). Also called: Pseudohypoaldosteronism Type IIC. Identifiers: Orphanet 757, Orphanet 88940, MedGen C1840391, MONDO:0013778, OMIM 614492.

Allele frequency attached by ClinVar (database versions not stated): TOPMed below 0.00001; gnomAD 0.00001.
gnomAD v4.1: 1 of 1,598,422 alleles (0.000063%); highest among the groups gnomAD compares: African/African-American, 0.0013%; no homozygotes.

Submission:

Labcorp Genetics (formerly Invitae), Labcorp
Classification: Uncertain significance for Neuropathy, hereditary sensory and autonomic, type 2A; Pseudohypoaldosteronism type 2C. Last evaluated: 2025-06-12. Review status: criteria provided, single submitter. Criteria: Invitae Variant Classification Sherloc (09022015). Collection method: clinical testing. Allele origin: germline.
Comment: This sequence change replaces proline, which is neutral and non-polar, with leucine, which is neutral and non-polar, at codon 1964 of the WNK1 protein (p.Pro1964Leu). This variant is present in population databases (no rsID available, gnomAD 0.01%). This variant has not been reported in the literature in individuals affected with WNK1-related conditions. ClinVar contains an entry for this variant (Variation ID: 2150947). Invitae Evidence Modeling of protein sequence and biophysical properties (such as structural, functional, and spatial information, amino acid conservation, physicochemical variation, residue mobility, and thermodynamic stability) indicates that this missense variant is not expected to disrupt WNK1 protein function with a negative predictive value of 95%. In summary, the available evidence is currently insufficient to determine the role of this variant in disease. Therefore, it has been classified as a Variant of Uncertain Significance.